The following is an entry in ClinVar:

NM_020937.4(FANCM):c.5138C>T (p.Ser1713Phe)

Gene: FANCM (FA complementation group M; plus strand). Cytogenetic location: 14q21.2.
Variant type: single nucleotide variant.
Coding change: c.5138C>T on transcript NM_020937.4 (MANE Select); coding-DNA position 5138, C replaced by T.
Protein change: p.Ser1713Phe; replaces serine 1713 with phenylalanine.
Molecular consequence: missense variant.
Genome position (GRCh38, 1-based): chr14:45,189,160, C>T. VCF-style: chr14-45189160-C-T. GRCh37 (hg19) VCF-style: chr14-45658363-C-T.
Other names: c.5060C>T, p.Ser1687Phe (NM_001308133.2); short protein forms S1687F, S1713F.
Identifiers: ClinVar variation 4022896 (VCV004022896.2).

ClinVar aggregate classification (germline): Uncertain significance (1 of 4 stars; one submission).

Conditions:
Inborn genetic diseases. Identifiers: MedGen C0950123, MeSH D030342.

Submission:

Ambry Genetics
Classification: Uncertain significance for Inborn genetic diseases. Last evaluated: 2025-10-22. Review status: criteria provided, single submitter. Criteria: Ambry Variant Classification Scheme 2023. Collection method: clinical testing. Allele origin: germline.
Comment: The p.S1713F variant (also known as c.5138C>T), located in coding exon 20 of the FANCM gene, results from a C to T substitution at nucleotide position 5138. The serine at codon 1713 is replaced by phenylalanine, an amino acid with highly dissimilar properties. This amino acid position is conserved. In addition, this alteration is predicted to be tolerated by in silico analysis. Based on the available evidence, the clinical significance of this variant remains unclear.